The following is an entry in ClinVar:

ClinVar aggregate classification (germline): Pathogenic (1 of 4 stars; one submission).

Conditions:
Duchenne muscular dystrophy (DMD). Also called: Duchenne Muscular Dystrophy (DMD); MUSCULAR DYSTROPHY, PSEUDOHYPERTROPHIC PROGRESSIVE, DUCHENNE TYPE. Identifiers: Orphanet 98896, MedGen C0013264, MONDO:0010679, OMIM 310200.

Submission:

Labcorp Genetics (formerly Invitae), Labcorp
Classification: Pathogenic for Duchenne muscular dystrophy. Last evaluated: 2021-08-04. Review status: criteria provided, single submitter. Criteria: Invitae Variant Classification Sherloc (09022015). Collection method: clinical testing. Allele origin: germline.
Comment: This variant is a gross deletion of the genomic region encompassing exon(s) 56-62 of the DMD gene. This deletion is out-of-frame, and is expected to create a premature translational stop signal and result in an absent or disrupted protein product. Loss-of-function variants in DMD are known to be pathogenic (PMID: 16770791, 25007885). A similar copy number variant has been observed in individual(s) with Duchenne muscular dystrophy (PMID: 19602481). For these reasons, this variant has been classified as Pathogenic.

Literature cited by the submitters: PubMed 16770791; PubMed 25007885; PubMed 19602481.

NC_000023.10:g.(?_31332523)_(31525580_?)del

Gene: DMD (dystrophin; minus strand). Cytogenetic location: Xp21.2-21.1.
Variant type: Deletion.
Identifiers: ClinVar variation 2424842 (VCV002424842.2).